The following is an entry in ClinVar:

NM_025099.6(CTC1):c.888G>T (p.Gln296His)

Gene: CTC1 (CST telomere replication complex component 1; minus strand). Cytogenetic location: 17p13.1.
Variant type: single nucleotide variant.
Coding change: c.888G>T on transcript NM_025099.6 (MANE Select); coding-DNA position 888, G replaced by T.
Protein change: p.Gln296His; replaces glutamine 296 with histidine.
Molecular consequence: missense variant. On other transcripts: non-coding transcript variant (1).
Genome position (GRCh38, 1-based): chr17:8,236,247, C>A on the plus strand (G>T on the coding strand, the complement: CTC1 is on the minus strand). VCF-style: chr17-8236247-C-A. GRCh37 (hg19) VCF-style: chr17-8139565-C-A.
Other names: short protein forms Q296H.
Identifiers: ClinVar variation 642193 (VCV000642193.7), dbSNP rs199553763, ClinGen allele CA8372526.

ClinVar aggregate classification (germline): Uncertain significance (1 of 4 stars; one submission).

Conditions:
Dyskeratosis congenita. Identifiers: Orphanet 1775, MedGen C0265965, MONDO:0015780.

Allele frequency attached by ClinVar (database versions not stated): gnomAD 0.00001 and 0.00002; ExAC 0.00007; gnomAD exomes 0.00007; TOPMed 0.00007; 1000 Genomes Project 30x 0.00016; 1000 Genomes Project 0.00020.
gnomAD v4.1: 27 of 1,614,210 alleles (0.0017%); highest among the groups gnomAD compares: East Asian, 0.049%; no homozygotes.

Submission:

Labcorp Genetics (formerly Invitae), Labcorp
Classification: Uncertain significance for Dyskeratosis congenita. Last evaluated: 2025-01-23. Review status: criteria provided, single submitter. Criteria: Invitae Variant Classification Sherloc (09022015). Collection method: clinical testing. Allele origin: germline.
Comment: This sequence change replaces glutamine, which is neutral and polar, with histidine, which is basic and polar, at codon 296 of the CTC1 protein (p.Gln296His). This variant is present in population databases (rs199553763, gnomAD 0.08%). This variant has not been reported in the literature in individuals affected with CTC1-related conditions. ClinVar contains an entry for this variant (Variation ID: 642193). Invitae Evidence Modeling of protein sequence and biophysical properties (such as structural, functional, and spatial information, amino acid conservation, physicochemical variation, residue mobility, and thermodynamic stability) indicates that this missense variant is not expected to disrupt CTC1 protein function with a negative predictive value of 80%. In summary, the available evidence is currently insufficient to determine the role of this variant in disease. Therefore, it has been classified as a Variant of Uncertain Significance.